The following is an entry in ClinVar:

NM_005883.3(APC2):c.6588C>A (p.Val2196=)

Gene: APC2 (APC regulator of Wnt signaling pathway 2; plus strand). Cytogenetic location: 19p13.3.
Variant type: single nucleotide variant.
Coding change: c.6588C>A on transcript NM_005883.3 (MANE Select); coding-DNA position 6588, C replaced by A.
Protein change: p.Val2196=; no amino-acid change (valine 2196 retained).
Molecular consequence: synonymous variant.
Genome position (GRCh38, 1-based): chr19:1,469,889, C>A. VCF-style: chr19-1469889-C-A. GRCh37 (hg19) VCF-style: chr19-1469888-C-A.
Other names: c.6585C>A, p.Val2195= (NM_001351273.1).
Identifiers: ClinVar variation 730726 (VCV000730726.51), dbSNP rs559460131, ClinGen allele CA9046163.
Genomic context (GRCh38, chr19:1,469,889, plus strand): 5'-CGCCCCGGCCGGGCCCCCGCCGCGCAAGACCAGCGACGCCGTGGTCCAGACCGAGGAGGT[C>A]GCCGCCCCCAAGACCAACTCCAGCACGTCCCCGAGCCTGGAGACCAGGGAGCCCCCCGGG-3'
Protein context (NP_005874.1, residues 2186-2206): TSDAVVQTEE[Val2196=]AAPKTNSSTS

ClinVar aggregate classification (germline): Benign/Likely benign. Review status: criteria provided, multiple submitters, no conflicts (2 of 4 stars). 2 submissions from 2 submitters: Benign (1); Likely benign (1). Last evaluated 2026-05-01.

Allele frequency attached by ClinVar (database versions not stated): ExAC 0.00011; gnomAD exomes 0.00028 and 0.00077; gnomAD 0.00083; 1000 Genomes Project 0.00120; TOPMed 0.00173; 1000 Genomes Project 30x 0.00219.
gnomAD v4.1: 614 of 1,523,588 alleles (0.04%); highest among the groups gnomAD compares: African/African-American, 0.43%; 2 homozygotes.

Submissions (2):

CeGaT Center for Human Genetics Tuebingen
Classification: Likely benign. Last evaluated: 2026-05-01. Review status: criteria provided, single submitter. Criteria: CeGaT Center For Human Genetics Tuebingen Variant Classification Criteria Version 2. Collection method: clinical testing. Allele origin: germline. Affected: yes. Observed: 3 variant alleles.
Comment: APC2: BP4, BP7

Labcorp Genetics (formerly Invitae), Labcorp
Classification: Benign. Last evaluated: 2025-10-27. Review status: criteria provided, single submitter. Criteria: Invitae Variant Classification Sherloc (09022015). Collection method: clinical testing. Allele origin: germline.